The following is an entry in ClinVar:

ClinVar aggregate classification (germline): Benign. Review status: criteria provided, multiple submitters, no conflicts (2 of 4 stars). 3 submissions from 3 submitters: Benign (3). Last evaluated 2025-07-08.

Conditions:
Cataract 36. Identifiers: MedGen C3151304, MONDO:0013484, OMIM 613887.

Allele frequency attached by ClinVar (database versions not stated): ESP Exome Variant Server 0.00008; gnomAD 0.00011 and 0.00096; TOPMed 0.00025; gnomAD exomes 0.00183 and 0.00261; ExAC 0.00366; 1000 Genomes Project 30x 0.00531; 1000 Genomes Project 0.00639.
gnomAD v4.1: 2,808 of 1,612,878 alleles (0.17%); highest among the groups gnomAD compares: South Asian, 2%; 53 homozygotes.

Submissions (3):

Labcorp Genetics (formerly Invitae), Labcorp
Classification: Benign for Cataract 36. Last evaluated: 2025-07-08. Review status: criteria provided, single submitter. Criteria: Invitae Variant Classification Sherloc (09022015). Collection method: clinical testing. Allele origin: germline.

Illumina Laboratory Services, Illumina
Classification: Benign for Cataract 36. Last evaluated: 2018-01-12. Review status: criteria provided, single submitter. Criteria: ICSL Variant Classification Criteria 13 December 2019. Collection method: clinical testing. Allele origin: germline.
Comment: This variant was observed in the ICSL laboratory as part of a predisposition screen in an ostensibly healthy population. It had not been previously curated by ICSL or reported in the Human Gene Mutation Database (HGMD: prior to June 1st, 2018), and was therefore a candidate for classification through an automated scoring system. Utilizing variant allele frequency, disease prevalence and penetrance estimates, and inheritance mode, an automated score was calculated to assess if this variant is too frequent to cause the disease. Based on the score and internal cut-off values, a variant classified as benign is not then subjected to further curation. The score for this variant resulted in a classification of benign for this disease.

PreventionGenetics, part of Exact Sciences
Classification: Benign. Review status: criteria provided, single submitter. Criteria: ACMG Guidelines, 2015. Collection method: clinical testing. Allele origin: germline.

NM_014290.3(TDRD7):c.1629+7A>G

Genes: TDRD7 (tudor domain containing 7; plus strand), LOC126860694 (BRD4-independent group 4 enhancer GRCh37_chr9:100226535-100227734; plus strand). Cytogenetic location: 9q22.33.
Variant type: single nucleotide variant.
Coding change: c.1629+7A>G on transcript NM_014290.3 (MANE Select); 7 bases into the intron after coding-DNA position 1629, A replaced by G.
Molecular consequence: intron variant.
Genome position (GRCh38, 1-based): chr9:97,465,035, A>G. VCF-style: chr9-97465035-A-G. GRCh37 (hg19) VCF-style: chr9-100227317-A-G.
Other names: c.1407+7A>G (NM_001302884.2).
Identifiers: ClinVar variation 260376 (VCV000260376.14), dbSNP rs151288166, ClinGen allele CA5146698.